The following is an entry in ClinVar:

ClinVar aggregate classification (germline): Uncertain significance (1 of 4 stars; one submission).

Conditions:
Inborn genetic diseases. Identifiers: MedGen C0950123, MeSH D030342.

gnomAD v4.1: 11 of 1,613,962 alleles (0.00068%); highest among the groups gnomAD compares: South Asian, 0.0022%; no homozygotes.

Submission:

Ambry Genetics
Classification: Uncertain significance for Inborn genetic diseases. Last evaluated: 2024-10-05. Review status: criteria provided, single submitter. Criteria: Ambry Variant Classification Scheme 2023. Collection method: clinical testing. Allele origin: germline.
Comment: The p.I1033T variant (also known as c.3098T>C), located in coding exon 13 of the BMPR2 gene, results from a T to C substitution at nucleotide position 3098. The isoleucine at codon 1033 is replaced by threonine, an amino acid with similar properties. This amino acid position is conserved. In addition, this alteration is predicted to be tolerated by in silico analysis. Based on the available evidence, the clinical significance of this variant remains unclear.

NM_001204.7(BMPR2):c.3098T>C (p.Ile1033Thr)

Gene: BMPR2 (bone morphogenetic protein receptor type 2; plus strand). Cytogenetic location: 2q33.2.
Variant type: single nucleotide variant.
Coding change: c.3098T>C on transcript NM_001204.7 (MANE Select); coding-DNA position 3098, T replaced by C.
Protein change: p.Ile1033Thr; replaces isoleucine 1033 with threonine.
Molecular consequence: missense variant.
Genome position (GRCh38, 1-based): chr2:202,559,927, T>C. VCF-style: chr2-202559927-T-C. GRCh37 (hg19) VCF-style: chr2-203424650-T-C.
Other names: short protein forms I1033T.
Identifiers: ClinVar variation 3481260 (VCV003481260.1).